The following is an entry in ClinVar:

NM_005612.5(REST):c.1937C>G (p.Pro646Arg)

Gene: REST (RE1 silencing transcription factor; plus strand). Cytogenetic location: 4q12.
Variant type: single nucleotide variant.
Coding change: c.1937C>G on transcript NM_005612.5 (MANE Select); coding-DNA position 1937, C replaced by G.
Protein change: p.Pro646Arg; replaces proline 646 with arginine.
Molecular consequence: missense variant.
Genome position (GRCh38, 1-based): chr4:56,930,795, C>G. VCF-style: chr4-56930795-C-G. GRCh37 (hg19) VCF-style: chr4-57796961-C-G.
Other names: c.1937C>G, p.Pro646Arg (NM_001193508.2, NM_001363453.3); short protein forms P646R.
Identifiers: ClinVar variation 2176105 (VCV002176105.5), dbSNP rs756063859, ClinGen allele CA2932358.
Genomic context (GRCh38, chr4:56,930,795, plus strand): 5'-TTCAGGTGGAGCCGCCACCTCCCATGGAGCATGCTCAGATGGAGGGTGCCCAGATACGGC[C>G]TGCTCCTGACGAGCCTGTTCAGATGGAGGTGGTTCAGGAGGGGCCTGCTCAGAAGGAGCT-3'
Protein context (NP_005603.3, residues 636-656): HAQMEGAQIR[Pro646Arg]APDEPVQMEV

ClinVar aggregate classification (germline): Uncertain significance. Review status: criteria provided, multiple submitters, no conflicts (2 of 4 stars). 2 submissions from 2 submitters: Uncertain significance (2). Last evaluated 2024-11-27.

Conditions:
Inborn genetic diseases. Identifiers: MedGen C0950123, MeSH D030342.

Allele frequency attached by ClinVar (database versions not stated): ExAC 0.00001; gnomAD 0.00001; TOPMed 0.00002; gnomAD exomes 0.00003.
gnomAD v4.1: 40 of 1,606,280 alleles (0.0025%); highest among the groups gnomAD compares: Non-Finnish European, 0.0032%; no homozygotes.

Submissions (2):

Labcorp Genetics (formerly Invitae), Labcorp
Classification: Uncertain significance. Last evaluated: 2024-11-27. Review status: criteria provided, single submitter. Criteria: Invitae Variant Classification Sherloc (09022015). Collection method: clinical testing. Allele origin: germline.
Comment: This sequence change replaces proline, which is neutral and non-polar, with arginine, which is basic and polar, at codon 646 of the REST protein (p.Pro646Arg). This variant is present in population databases (rs756063859, gnomAD 0.002%). This variant has not been reported in the literature in individuals affected with REST-related conditions. ClinVar contains an entry for this variant (Variation ID: 2176105). An algorithm developed to predict the effect of missense changes on protein structure and function (PolyPhen-2) suggests that this variant is likely to be tolerated. In summary, the available evidence is currently insufficient to determine the role of this variant in disease. Therefore, it has been classified as a Variant of Uncertain Significance.

Ambry Genetics
Classification: Uncertain significance for Inborn genetic diseases. Last evaluated: 2024-08-06. Review status: criteria provided, single submitter. Criteria: Ambry Variant Classification Scheme 2023. Collection method: clinical testing. Allele origin: germline.